The following is an entry in ClinVar:

NM_000203.5(IDUA):c.793-2A>G

Gene: IDUA (alpha-L-iduronidase; plus strand). Cytogenetic location: 4p16.3.
Variant type: single nucleotide variant.
Coding change: c.793-2A>G on transcript NM_000203.5 (MANE Select); the canonical splice acceptor site of the intron before coding-DNA position 793, A replaced by G.
Molecular consequence: splice acceptor variant.
Genome position (GRCh38, 1-based): chr4:1,001,980, A>G. VCF-style: chr4-1001980-A-G. GRCh37 (hg19) VCF-style: chr4-995768-A-G.
Other names: c.397-2A>G (NM_001363576.1).
Identifiers: ClinVar variation 2198033 (VCV002198033.1), dbSNP rs2534086833, ClinGen allele CA355962285.

ClinVar aggregate classification (germline): Pathogenic (1 of 4 stars; one submission).

Conditions:
Mucopolysaccharidosis type 1. Also called: IDUA deficiency; MPS I. Identifiers: Orphanet 579, MedGen C0023786, MONDO:0001586.

Submission:

Labcorp Genetics (formerly Invitae), Labcorp
Classification: Pathogenic for Mucopolysaccharidosis type 1. Last evaluated: 2022-09-13. Review status: criteria provided, single submitter. Criteria: Invitae Variant Classification Sherloc (09022015). Collection method: clinical testing. Allele origin: germline.
Comment: This sequence change affects an acceptor splice site in intron 6 of the IDUA gene. It is expected to disrupt RNA splicing. Variants that disrupt the donor or acceptor splice site typically lead to a loss of protein function (PMID: 16199547), and loss-of-function variants in IDUA are known to be pathogenic (PMID: 11735025, 21480867). This variant is not present in population databases (gnomAD no frequency). Disruption of this splice site has been observed in individual(s) with mucopolysaccharidosis type I (Invitae). Algorithms developed to predict the effect of sequence changes on RNA splicing suggest that this variant may disrupt the consensus splice site. For these reasons, this variant has been classified as Pathogenic.

Literature cited by the submitters: PubMed 16199547; PubMed 11735025; PubMed 21480867.